The following is an entry in ClinVar:

NM_000393.5(COL5A2):c.1977G>A (p.Pro659=)

Gene: COL5A2 (collagen type V alpha 2 chain; minus strand). Cytogenetic location: 2q32.2.
Variant type: single nucleotide variant.
Coding change: c.1977G>A on transcript NM_000393.5 (MANE Select); coding-DNA position 1977, G replaced by A.
Protein change: p.Pro659=; no amino-acid change (proline 659 retained).
Molecular consequence: synonymous variant.
Genome position (GRCh38, 1-based): chr2:189,062,865, C>T on the plus strand (G>A on the coding strand, the complement: COL5A2 is on the minus strand). VCF-style: chr2-189062865-C-T. GRCh37 (hg19) VCF-style: chr2-189927591-C-T.
Identifiers: ClinVar variation 213101 (VCV000213101.17), dbSNP rs863223491, ClinGen allele CA322857.

ClinVar aggregate classification (germline): Pathogenic. Review status: criteria provided, multiple submitters, no conflicts (2 of 4 stars). 3 submissions from 3 submitters: Pathogenic (3). Last evaluated 2025-06-03.

Conditions:
Ehlers-Danlos syndrome, classic type, 1 (EDSCL1). Also called: Ehlers-Danlos Syndrome, Classic Type, COL5A1-Related; EHLERS-DANLOS SYNDROME, GRAVIS TYPE; EHLERS-DANLOS SYNDROME, SEVERE CLASSIC TYPE; Ehlers-Danlos syndrome, type 1; EDS I. Identifiers: MedGen C0268335, MONDO:0019567, OMIM 130000.
Ehlers-Danlos syndrome, classic type, 2 (EDSCL2). Also called: Ehlers-Danlos Syndrome, Classic Type, COL5A2-Related; Ehlers-Danlos syndrome type 2 (formerly); Ehlers-Danlos syndrome, type 2. Identifiers: Orphanet 287, Orphanet 90318, MedGen C0268336, MONDO:0019568, OMIM 130010.
Ehlers-Danlos syndrome, classic type (cEDS). Identifiers: Orphanet 287, MedGen C4225429, MONDO:0007522.

Submissions (4):

Greenwood Genetic Center Diagnostic Laboratories, Greenwood Genetic Center
Classification: Pathogenic for Ehlers-Danlos syndrome, classic type, 2. Last evaluated: 2025-06-03. Review status: criteria provided, single submitter. Criteria: ACMG Guidelines, 2015. Collection method: clinical testing. Allele origin: germline. Affected: yes.
Comment: PS3, PS4_Moderate, PM2, PM6_Strong

Center for Genomics, Ann and Robert H. Lurie Children's Hospital of Chicago
Classification: Pathogenic for Ehlers-Danlos syndrome, classic type. Last evaluated: 2024-05-10. Review status: criteria provided, single submitter. Criteria: ACMG Guidelines, 2015. Collection method: clinical testing. Allele origin: de novo. Observed: 1 variant allele.
Comment: This variant has been reported in the literature in at least 3 individuals with suspicion or clinical diagnoses of Ehlers-Danlos syndrome, classic type (cEDS), including as de novo in two families (Ritelli 2013 PMID: 23587214; Xu 2019 PMID: 31517854; Ma 2021 PMID: 33834621). It is not present in gnomAD, and has been submitted to ClinVar (Variation ID: 213101). Of note, this is a synonnymous variant that does not change the amino acid at this codon; however, it is located at the last nucleotide of exon 29 and computational splice prediction algorithms predict that it may weaken or abolish the donor splice site. An evaluation of this variant by cDNA sequencing from fibroblast-derived RNA supports these predictions, demonstrating that this variant results in the skipping of exon 29 (Ma 2021 PMID: 33834621). This is not expected to disrupt the reading frame but would remove 6 Gly-X-Y repeats in the encoded triple helical region which may impair the formation of type V collagen heterotrimers (Malfait 2024 PMID: 20301422). In summary, this variant is classified as pathogenic.

Labcorp Genetics (formerly Invitae), Labcorp
Classification: Pathogenic for Ehlers-Danlos syndrome, classic type, 1. Last evaluated: 2024-01-18. Review status: criteria provided, single submitter. Criteria: Invitae Variant Classification Sherloc (09022015). Collection method: clinical testing. Allele origin: germline.
Comment: This sequence change affects codon 659 of the COL5A2 mRNA. It is a 'silent' change, meaning that it does not change the encoded amino acid sequence of the COL5A2 protein. RNA analysis indicates that this variant induces altered splicing and likely results in a shortened protein product. This variant is not present in population databases (gnomAD no frequency). This variant has been observed in individual(s) with clinical features of COL5A2-related Ehlers-Danlos syndrome (PMID: 31517854, 33834621). In at least one individual the variant was observed to be de novo. This variant is also known as c.1997G>A. ClinVar contains an entry for this variant (Variation ID: 213101). Variants that disrupt the consensus splice site are a relatively common cause of aberrant splicing (PMID: 17576681, 9536098). Studies have shown that this variant results in skipping of exon 29, but is expected to preserve the integrity of the reading-frame (PMID: 33834621). For these reasons, this variant has been classified as Pathogenic.

Dr. Peter K. Rogan Lab, Western University
No classification provided (evidence only). Condition: Squamous cell lung carcinoma. Review status: no classification provided. Collection method: in vitro. Allele origin: not applicable. Functional consequence: skipped exon. Not counted in ClinVar's aggregate classification.

Literature cited by the submitters: PubMed 23587214 (cited by Center for Genomics, Ann and Robert H. Lurie Children's Hospital of Chicago); PubMed 31517854 (cited by Center for Genomics, Ann and Robert H. Lurie Children's Hospital of Chicago and Labcorp Genetics (formerly Invitae), Labcorp); PubMed 33834621 (cited by Center for Genomics, Ann and Robert H. Lurie Children's Hospital of Chicago and Labcorp Genetics (formerly Invitae), Labcorp); PubMed 17576681 (cited by Labcorp Genetics (formerly Invitae), Labcorp); PubMed 9536098 (cited by Labcorp Genetics (formerly Invitae), Labcorp).